The following is an entry in ClinVar:

NM_199420.4(POLQ):c.5455T>A (p.Ser1819Thr)

Gene: POLQ (DNA polymerase theta; minus strand). Cytogenetic location: 3q13.33.
Variant type: single nucleotide variant.
Coding change: c.5455T>A on transcript NM_199420.4 (MANE Select); coding-DNA position 5455, T replaced by A.
Protein change: p.Ser1819Thr; replaces serine 1819 with threonine.
Molecular consequence: missense variant.
Genome position (GRCh38, 1-based): chr3:121,487,476, A>T on the plus strand (T>A on the coding strand, the complement: POLQ is on the minus strand). VCF-style: chr3-121487476-A-T. GRCh37 (hg19) VCF-style: chr3-121206323-A-T.
Other names: short protein forms S1819T.
Identifiers: ClinVar variation 2449010 (VCV002449010.2), dbSNP rs760774027, ClinGen allele CA354090149.

ClinVar aggregate classification (germline): Uncertain significance (1 of 4 stars; one submission).

gnomAD v4.1: 2 of 1,614,108 alleles (0.00012%); highest among the groups gnomAD compares: South Asian, 0.0022%; no homozygotes.

Submission:

Ambry Genetics
Classification: Uncertain significance. Last evaluated: 2023-02-15. Review status: criteria provided, single submitter. Criteria: Ambry Variant Classification Scheme 2023. Collection method: clinical testing. Allele origin: germline.
Comment: The p.S1819T variant (also known as c.5455T>A), located in coding exon 16 of the POLQ gene, results from a T to A substitution at nucleotide position 5455. The serine at codon 1819 is replaced by threonine, an amino acid with similar properties. This amino acid position is conserved. In addition, this alteration is predicted to be tolerated by in silico analysis. Since supporting evidence is limited at this time, the clinical significance of this alteration remains unclear.